The following is an entry in ClinVar:

NM_001987.5(ETV6):c.693G>C (p.Glu231Asp)

Gene: ETV6 (ETS variant transcription factor 6; plus strand). Cytogenetic location: 12p13.2.
Variant type: single nucleotide variant.
Coding change: c.693G>C on transcript NM_001987.5 (MANE Select); coding-DNA position 693, G replaced by C.
Protein change: p.Glu231Asp; replaces glutamic acid 231 with aspartic acid.
Molecular consequence: missense variant.
Genome position (GRCh38, 1-based): chr12:11,869,653, G>C. VCF-style: chr12-11869653-G-C. GRCh37 (hg19) VCF-style: chr12-12022587-G-C.
Other names: c.690G>C, p.Glu230Asp (NM_001413913.1); c.666G>C, p.Glu222Asp (NM_001413914.1); c.429G>C, p.Glu143Asp (NM_001413915.1); c.693G>C, p.Glu231Asp (NM_001413916.1, NM_001413917.1); short protein forms E143D, E222D, E230D, E231D.
Identifiers: ClinVar variation 5036181 (VCV005036181.1).

ClinVar aggregate classification (germline): Uncertain significance (1 of 4 stars; one submission).

Conditions:
Inborn genetic diseases. Identifiers: MedGen C0950123, MeSH D030342.

Submission:

Ambry Genetics
Classification: Uncertain significance for Inborn genetic diseases. Last evaluated: 2026-07-06. Review status: criteria provided, single submitter. Criteria: Ambry Variant Classification Scheme 2023. Collection method: clinical testing. Allele origin: germline.
Comment: The p.E231D variant (also known as c.693G>C), located in coding exon 5 of the ETV6 gene, results from a G to C substitution at nucleotide position 693. The glutamic acid at codon 231 is replaced by aspartic acid, an amino acid with highly similar properties. This amino acid position is conserved. In addition, this alteration is predicted to be tolerated by in silico analysis. Based on the available evidence, the clinical significance of this variant remains unclear.